The following is an entry in ClinVar:

ClinVar aggregate classification (germline): Uncertain significance. Review status: criteria provided, multiple submitters, no conflicts (2 of 4 stars). 2 submissions from 2 submitters: Uncertain significance (2). Last evaluated 2024-07-08.

Conditions:
Charcot-Marie-Tooth disease type 2. Also called: Charcot-Marie-Tooth type 2. Identifiers: Orphanet 64746, MedGen C0270914, MONDO:0018993.

Submissions (2):

Labcorp Genetics (formerly Invitae), Labcorp
Classification: Uncertain significance for Charcot-Marie-Tooth disease type 2. Last evaluated: 2024-07-08. Review status: criteria provided, single submitter. Criteria: Invitae Variant Classification Sherloc (09022015). Collection method: clinical testing. Allele origin: germline.
Comment: This sequence change replaces proline, which is neutral and non-polar, with leucine, which is neutral and non-polar, at codon 1614 of the KIF1B protein (p.Pro1614Leu). This variant is not present in population databases (gnomAD no frequency). This variant has not been reported in the literature in individuals affected with KIF1B-related conditions. ClinVar contains an entry for this variant (Variation ID: 2497130). An algorithm developed to predict the effect of missense changes on protein structure and function (PolyPhen-2) suggests that this variant is likely to be disruptive. In summary, the available evidence is currently insufficient to determine the role of this variant in disease. Therefore, it has been classified as a Variant of Uncertain Significance.

Ambry Genetics
Classification: Uncertain significance. Last evaluated: 2023-01-13. Review status: criteria provided, single submitter. Criteria: Ambry Variant Classification Scheme 2023. Collection method: clinical testing. Allele origin: germline.
Comment: The p.P1614L variant (also known as c.4841C>T), located in coding exon 43 of the KIF1B gene, results from a C to T substitution at nucleotide position 4841. The proline at codon 1614 is replaced by leucine, an amino acid with similar properties. This amino acid position is highly conserved in available vertebrate species. In addition, the in silico prediction for this alteration is inconclusive. The evidence for this gene-disease relationship is limited; therefore, the clinical significance of this alteration is unclear.

NM_001365951.3(KIF1B):c.4979C>T (p.Pro1660Leu)

Gene: KIF1B (kinesin family member 1B; plus strand). Cytogenetic location: 1p36.22.
Variant type: single nucleotide variant.
Coding change: c.4979C>T on transcript NM_001365951.3 (MANE Select); coding-DNA position 4979, C replaced by T.
Protein change: p.Pro1660Leu; replaces proline 1660 with leucine.
Molecular consequence: missense variant.
Genome position (GRCh38, 1-based): chr1:10,374,348, C>T. VCF-style: chr1-10374348-C-T. GRCh37 (hg19) VCF-style: chr1-10434406-C-T.
Other names: c.4979C>T, p.Pro1660Leu (NM_001365952.1); c.4841C>T, p.Pro1614Leu (NM_015074.3); short protein forms P1614L, P1660L.
Identifiers: ClinVar variation 2497130 (VCV002497130.4), dbSNP rs2521977372, ClinGen allele CA338328740.